The following is an entry in ClinVar:

NM_000548.5(TSC2):c.3316A>G (p.Lys1106Glu)

Gene: TSC2 (TSC complex subunit 2; plus strand). Cytogenetic location: 16p13.3.
Variant type: single nucleotide variant.
Coding change: c.3316A>G on transcript NM_000548.5 (MANE Select); coding-DNA position 3316, A replaced by G.
Protein change: p.Lys1106Glu; replaces lysine 1106 with glutamic acid.
Molecular consequence: missense variant. On other transcripts: non-coding transcript variant (5).
Genome position (GRCh38, 1-based): chr16:2,079,588, A>G. VCF-style: chr16-2079588-A-G. GRCh37 (hg19) VCF-style: chr16-2129589-A-G.
Other names: c.3184A>G, p.Lys1062Glu (NM_001077183.3, NM_001370404.1, NM_001406665.1); c.3316A>G, p.Lys1106Glu (NM_001114382.3); c.3076A>G, p.Lys1026Glu (NM_001318827.2); c.3040A>G, p.Lys1014Glu (NM_001318829.2); c.2584A>G, p.Lys862Glu (NM_001318831.2, NM_001406687.1, NM_001406688.1); c.3217A>G, p.Lys1073Glu (NM_001318832.2); c.3187A>G, p.Lys1063Glu (NM_001363528.2, NM_001370405.1, NM_021055.3); c.3313A>G, p.Lys1105Glu (NM_001406663.1, NM_001406664.1); and 18 more; short protein forms K1026E, K1059E, K1062E, K1105E, K528E, K614E, K862E, K1014E.
Identifiers: ClinVar variation 4557594 (VCV004557594.1).
Genomic context (GRCh38, chr16:2,079,588, plus strand): 5'-CCACCCTGTGCGTGGGATTCTCTTCTCAGCTCCAGCCCCGGGGTGCATGTGAGACAGACC[A>G]AGGAGGCGCCGGCCAAGCTGGAGTCCCAGGCTGGGCAGCAGGTGTCCCGTGGGGCCCGGG-3'
Protein context (NP_000539.2, residues 1096-1116): SSPGVHVRQT[Lys1106Glu]EAPAKLESQA

ClinVar aggregate classification (germline): Uncertain significance (1 of 4 stars; one submission).

Conditions:
Hereditary cancer-predisposing syndrome. Also called: Tumor predisposition; Hereditary Cancer Syndrome; Hereditary neoplastic syndrome; Neoplastic Syndromes, Hereditary. Identifiers: Orphanet 140162, MedGen C0027672, MeSH D009386, MONDO:0015356.

Submission:

Ambry Genetics
Classification: Uncertain significance for Hereditary cancer-predisposing syndrome. Last evaluated: 2025-12-03. Review status: criteria provided, single submitter. Criteria: Ambry Variant Classification Scheme 2023. Collection method: clinical testing. Allele origin: germline.
Comment: The p.K1106E variant (also known as c.3316A>G), located in coding exon 28 of the TSC2 gene, results from an A to G substitution at nucleotide position 3316. The lysine at codon 1106 is replaced by glutamic acid, an amino acid with similar properties. This amino acid position is conserved. In addition, this alteration is predicted to be deleterious by in silico analysis. Based on the available evidence, the clinical significance of this variant remains unclear.